The following is an entry in ClinVar:

NM_033380.3(COL4A5):c.3374-6_3374-2del

Gene: COL4A5 (collagen type IV alpha 5 chain; plus strand). Cytogenetic location: Xq22.3.
Variant type: Deletion.
Coding change: c.3374-6_3374-2del on transcript NM_033380.3 (MANE Select); 6 bases into the intron before coding-DNA position 3374 through the canonical splice acceptor site of the intron before coding-DNA position 3374, 5 bases deleted (CTCTA; older notation c.3374-6_3374-2delCTCTA).
Molecular consequence: splice acceptor variant.
Genome position (GRCh38, 1-based): chrX:108,665,501-108,665,505, CTCTA deleted; deleting any 5 consecutive bases within chrX:108,665,499-108,665,505 gives the same sequence; the c. name uses the placement nearest the transcript's 3' end. VCF-style (leftmost placement, unchanged base first): chrX-108665498-TTACTC-T. GRCh37 (hg19) VCF-style: chrX-107908728-TTACTC-T.
Other names: c.3374-6_3374-2del (NM_000495.5).
Identifiers: ClinVar variation 5004207 (VCV005004207.1).

ClinVar aggregate classification (germline): Uncertain significance (1 of 4 stars; one submission).

Conditions:
X-linked Alport syndrome (ATS1). Also called: COL4A5-Related Nephropathy; NEPHROPATHY AND DEAFNESS, X-LINKED. Identifiers: Orphanet 63, Orphanet 88917, MedGen C4746986, MONDO:0010520, OMIM 301050.

Submission:

Myriad Genetics, Inc.
Classification: Uncertain significance for X-linked Alport syndrome. Last evaluated: 2026-01-20. Review status: criteria provided, single submitter. Criteria: Myriad Autosomal Dominant, Autosomal Recessive and X-Linked Classification Criteria (2023). Collection method: clinical testing. Allele origin: unknown.
Comment: NM_000495.4(COL4A5):c.3374-6_3374-2del5 is an intronic variant classified as a variant of uncertain significance in the context of X-linked Alport syndrome. c.3374-6_3374-2del5 has not been observed in cases with relevant disease. Relevant functional assessments of this variant are not available in the literature. c.3374-6_3374-2del5 has not been observed in referenced population frequency databases. In summary, there is insufficient evidence to classify NM_000495.4(COL4A5):c.3374-6_3374-2del5 as pathogenic or benign. Please note: this variant was assessed in the context of healthy population screening.